The following is an entry in ClinVar:

NM_001042492.3(NF1):c.4835+3A>G

Gene: NF1 (neurofibromin 1; plus strand). Cytogenetic location: 17q11.2.
Variant type: single nucleotide variant.
Coding change: c.4835+3A>G on transcript NM_001042492.3 (MANE Select); 3 bases into the intron after coding-DNA position 4835, A replaced by G.
Molecular consequence: intron variant.
Genome position (GRCh38, 1-based): chr17:31,265,342, A>G. VCF-style: chr17-31265342-A-G. GRCh37 (hg19) VCF-style: chr17-29592360-A-G.
Other names: c.4772+3A>G (NM_000267.3, NM_000267.4).
Identifiers: ClinVar variation 504973 (VCV000504973.15), dbSNP rs1417732851, ClinGen allele CA658798812.

ClinVar aggregate classification (germline): Conflicting classifications of pathogenicity. Review status: criteria provided, conflicting classifications (1 of 4 stars). 5 submissions from 5 submitters: Uncertain significance (4); Likely benign (1). Last evaluated 2023-09-03.

Conditions:
Cardiovascular phenotype. Identifiers: MedGen CN230736.
Hereditary cancer-predisposing syndrome. Also called: Hereditary Cancer Syndrome; Tumor predisposition; Neoplastic Syndromes, Hereditary; Hereditary neoplastic syndrome. Identifiers: Orphanet 140162, MedGen C0027672, MeSH D009386, MONDO:0015356.
Neurofibromatosis, type 1 (NF1). Also called: Peripheral type neurofibromatosis; VON RECKLINGHAUSEN DISEASE; NEUROFIBROMATOSIS, TYPE I, SOMATIC; Neurofibromatosis, type I. Identifiers: Orphanet 636, MedGen C0027831, MONDO:0018975, OMIM 162200. Disease mechanism: loss of function.

Allele frequency attached by ClinVar (database versions not stated): gnomAD 0.00001; TOPMed 0.00001.

Submissions (5):

Labcorp Genetics (formerly Invitae), Labcorp
Classification: Uncertain significance for Neurofibromatosis, type 1. Last evaluated: 2023-09-03. Review status: criteria provided, single submitter. Criteria: Invitae Variant Classification Sherloc (09022015). Collection method: clinical testing. Allele origin: germline.
Comment: Variants that disrupt the consensus splice site are a relatively common cause of aberrant splicing (PMID: 17576681, 9536098). Algorithms developed to predict the effect of sequence changes on RNA splicing suggest that this variant is not likely to affect RNA splicing. In summary, the available evidence is currently insufficient to determine the role of this variant in disease. Therefore, it has been classified as a Variant of Uncertain Significance. ClinVar contains an entry for this variant (Variation ID: 504973). This variant has not been reported in the literature in individuals affected with NF1-related conditions. This variant is not present in population databases (gnomAD no frequency). This sequence change falls in intron 35 of the NF1 gene. It does not directly change the encoded amino acid sequence of the NF1 protein. It affects a nucleotide within the consensus splice site.

Genome-Nilou Lab
Classification: Uncertain significance for Neurofibromatosis, type 1. Last evaluated: 2022-03-15. Review status: criteria provided, single submitter. Criteria: ACMG Guidelines, 2015. Collection method: clinical testing. Allele origin: germline. Affected: no.

Ambry Genetics
Classification: Likely benign for Cardiovascular phenotype; Hereditary cancer-predisposing syndrome. Last evaluated: 2021-05-18. Review status: criteria provided, single submitter. Criteria: Ambry Variant Classification Scheme 2023. Collection method: clinical testing. Allele origin: germline.

GeneDx
Classification: Uncertain significance. Last evaluated: 2021-02-18. Review status: criteria provided, single submitter. Criteria: GeneDx Variant Classification Process June 2021. Collection method: clinical testing. Allele origin: germline. Affected: yes.
Comment: Not observed in large population cohorts (Lek et al., 2016); In silico analysis supports that this variant does not alter splicing; Has not been previously published as pathogenic or benign to our knowledge

Laboratory for Molecular Medicine, Mass General Brigham Personalized Medicine
Classification: Uncertain significance. Last evaluated: 2016-05-20. Review status: criteria provided, single submitter. Criteria: LMM Criteria. Collection method: clinical testing. Allele origin: germline. Observed: 1 variant allele.
Comment: The c.4835+3A>G variant in NF1 has not been previously reported in individuals w ith Neurofibromatosis type 1 or pulmonary disease, or in large population studie s. This variant is located in the 5' splice region. Computational tools do not s uggest an impact to splicing. However, this information is not predictive enough to rule out pathogenicity. In summary, the clinical significance of the c.4835+ 3A>G variant is uncertain.

Literature cited by the submitters: PubMed 17576681 (cited by Labcorp Genetics (formerly Invitae), Labcorp); PubMed 9536098 (cited by Labcorp Genetics (formerly Invitae), Labcorp).